The following is an entry in ClinVar:

NM_001081.4(CUBN):c.8441G>A (p.Gly2814Asp)

Gene: CUBN (cubilin; minus strand). Cytogenetic location: 10p13.
Variant type: single nucleotide variant.
Coding change: c.8441G>A on transcript NM_001081.4 (MANE Select); coding-DNA position 8441, G replaced by A.
Protein change: p.Gly2814Asp; replaces glycine 2814 with aspartic acid.
Molecular consequence: missense variant.
Genome position (GRCh38, 1-based): chr10:16,899,153, C>T on the plus strand (G>A on the coding strand, the complement: CUBN is on the minus strand). VCF-style: chr10-16899153-C-T. GRCh37 (hg19) VCF-style: chr10-16941152-C-T.
Other names: short protein forms G2814D.
Identifiers: ClinVar variation 2164997 (VCV002164997.1), dbSNP rs751059984, ClinGen allele CA5423022.

ClinVar aggregate classification (germline): Uncertain significance (1 of 4 stars; one submission).

Conditions:
Imerslund-Grasbeck syndrome. Also called: ENTEROCYTE COBALAMIN MALABSORPTION; ENTEROCYTE INTRINSIC FACTOR RECEPTOR, DEFECT OF; Megaloblastic anemia due to inborn errors of metabolism; Imerslund-Gräsbeck syndrome; PERNICIOUS ANEMIA, JUVENILE, DUE TO SELECTIVE INTESTINAL MALABSORPTION OF VITAMIN B12, WITH PROTEINURIA. Identifiers: Orphanet 35858, MedGen C4551825, MONDO:0009853.

Allele frequency attached by ClinVar (database versions not stated): gnomAD 0.00001; gnomAD exomes 0.00001; TOPMed 0.00001; ExAC 0.00003.
gnomAD v4.1: 9 of 1,613,674 alleles (0.00056%); highest among the groups gnomAD compares: Admixed American, 0.012%; no homozygotes.

Submission:

Labcorp Genetics (formerly Invitae), Labcorp
Classification: Uncertain significance for Imerslund-Grasbeck syndrome. Last evaluated: 2022-03-04. Review status: criteria provided, single submitter. Criteria: Invitae Variant Classification Sherloc (09022015). Collection method: clinical testing. Allele origin: germline.
Comment: This sequence change replaces glycine, which is neutral and non-polar, with aspartic acid, which is acidic and polar, at codon 2814 of the CUBN protein (p.Gly2814Asp). This variant is present in population databases (rs751059984, gnomAD 0.02%). This variant has not been reported in the literature in individuals affected with CUBN-related conditions. Algorithms developed to predict the effect of missense changes on protein structure and function are either unavailable or do not agree on the potential impact of this missense change (SIFT: "Deleterious"; PolyPhen-2: "Probably Damaging"; Align-GVGD: "Class C0"). In summary, the available evidence is currently insufficient to determine the role of this variant in disease. Therefore, it has been classified as a Variant of Uncertain Significance.